The following is an entry in ClinVar:

ClinVar aggregate classification (germline): Uncertain significance (1 of 4 stars; one submission).

gnomAD v4.1: 5 of 1,614,122 alleles (0.00031%); highest among the groups gnomAD compares: Non-Finnish European, 0.00042%; no homozygotes.

Submission:

Mayo Clinic Laboratories, Mayo Clinic
Classification: Uncertain significance. Last evaluated: 2024-03-25. Review status: criteria provided, single submitter. Criteria: ACMG Guidelines, 2015. Collection method: clinical testing. Allele origin: germline. Observed: 1 variant allele.
Comment: PP3, PM2

NM_006214.4(PHYH):c.514C>T (p.His172Tyr)

Gene: PHYH (phytanoyl-CoA 2-hydroxylase; minus strand). Cytogenetic location: 10p13.
Variant type: single nucleotide variant.
Coding change: c.514C>T on transcript NM_006214.4 (MANE Select); coding-DNA position 514, C replaced by T.
Protein change: p.His172Tyr; replaces histidine 172 with tyrosine.
Molecular consequence: missense variant. On other transcripts: intron variant (1).
Genome position (GRCh38, 1-based): chr10:13,288,524, G>A on the plus strand (C>T on the coding strand, the complement: PHYH is on the minus strand). VCF-style: chr10-13288524-G-A. GRCh37 (hg19) VCF-style: chr10-13330524-G-A.
Other names: p.His172Tyr; c.214C>T, p.His72Tyr (NM_001037537.2, NM_001323080.2); c.520C>T, p.His174Tyr (NM_001323082.2); c.220C>T, p.His74Tyr (NM_001323084.2); c.415-4685C>T (NM_001323083.2); short protein forms H172Y, H174Y, H72Y, H74Y.
Identifiers: ClinVar variation 3379946 (VCV003379946.1).